The following is an entry in ClinVar:

NM_001371986.1(UNC80):c.8940dup (p.Tyr2981fs)

Gene: UNC80 (unc-80 subunit of NALCN channel complex; plus strand). Cytogenetic location: 2q34.
Variant type: Duplication.
Coding change: c.8940dup on transcript NM_001371986.1 (MANE Select); coding-DNA position 8940, one base duplicated (C; older notation c.8940dupC).
Protein change: p.Tyr2981fs; shifts the reading frame from tyrosine 2981.
Molecular consequence: frameshift variant.
Genome position (GRCh38, 1-based): chr2:209,978,530, C duplicated; the last of 2 consecutive C bases (chr2:209,978,529-209,978,530); duplicating either gives the same sequence. VCF-style (leftmost placement, unchanged base first): chr2-209978528-G-GC. GRCh37 (hg19) VCF-style: chr2-210843252-G-GC.
Other names: c.8742dup, p.Tyr2915fs (NM_032504.2); c.8727dup, p.Tyr2910fs (NM_182587.4); short protein forms Y2915fs, Y2981fs, Y2910fs.
Identifiers: ClinVar variation 1459215 (VCV001459215.6), dbSNP rs2125019136, ClinGen allele CA2573135197.

ClinVar aggregate classification (germline): Pathogenic (1 of 4 stars; one submission).

Submission:

Labcorp Genetics (formerly Invitae), Labcorp
Classification: Pathogenic. Last evaluated: 2022-07-05. Review status: criteria provided, single submitter. Criteria: Invitae Variant Classification Sherloc (09022015). Collection method: clinical testing. Allele origin: germline.
Comment: For these reasons, this variant has been classified as Pathogenic. Algorithms developed to predict the effect of sequence changes on RNA splicing suggest that this variant may disrupt the consensus splice site. ClinVar contains an entry for this variant (Variation ID: 1459215). This variant has not been reported in the literature in individuals affected with UNC80-related conditions. This variant is not present in population databases (gnomAD no frequency). This sequence change creates a premature translational stop signal (p.Tyr2915Leufs*28) in the UNC80 gene. It is expected to result in an absent or disrupted protein product. Loss-of-function variants in UNC80 are known to be pathogenic (PMID: 26545877, 26708751, 26708753).

Literature cited by the submitters: PubMed 26545877; PubMed 26708751; PubMed 26708753.